The following is an entry in ClinVar:

ClinVar aggregate classification (germline): Uncertain significance. Review status: criteria provided, multiple submitters, no conflicts (2 of 4 stars). 5 submissions from 5 submitters: Uncertain significance (4). 1 of the submissions does not count toward it. Last evaluated 2024-12-14.

Conditions:
Athabaskan severe combined immunodeficiency (SCIDA). Also called: Severe combined immunodeficiency, athabascan-type. Identifiers: MedGen C1865370.
Histiocytic medullary reticulosis. Also called: SEVERE COMBINED IMMUNODEFICIENCY WITH HYPEREOSINOPHILIA; Omenn syndrome. Identifiers: Orphanet 39041, MedGen C2700553, MONDO:0011338, OMIM 603554.
Severe combined immunodeficiency due to DCLRE1C deficiency (RS-SCID). Also called: SCID, AUTOSOMAL RECESSIVE, T CELL-NEGATIVE, B CELL-NEGATIVE, NK CELL-POSITIVE, WITH SENSITIVITY TO IONIZING RADIATION. Identifiers: Orphanet 275, MedGen C1865371, MONDO:0011225, OMIM 602450.
Inborn genetic diseases. Identifiers: MedGen C0950123, MeSH D030342.

Allele frequency attached by ClinVar (database versions not stated): gnomAD 0.00004; TOPMed 0.00005; ExAC 0.00002; gnomAD exomes 0.00004 and 0.00012.

Submissions (5):

Ambry Genetics
Classification: Uncertain significance for Inborn genetic diseases. Last evaluated: 2024-12-14. Review status: criteria provided, single submitter. Criteria: Ambry Variant Classification Scheme 2023. Collection method: clinical testing. Allele origin: germline.

Blueprint Genetics
Classification: Uncertain significance. Last evaluated: 2024-10-23. Review status: criteria provided, single submitter. Criteria: ACMG Guidelines, 2015. Collection method: clinical testing. Allele origin: germline.

Labcorp Genetics (formerly Invitae), Labcorp
Classification: Uncertain significance for Athabaskan severe combined immunodeficiency. Last evaluated: 2022-10-05. Review status: criteria provided, single submitter. Criteria: Invitae Variant Classification Sherloc (09022015). Collection method: clinical testing. Allele origin: germline.
Comment: This sequence change replaces glutamic acid, which is acidic and polar, with lysine, which is basic and polar, at codon 461 of the DCLRE1C protein (p.Glu461Lys). This variant is present in population databases (rs746552030, gnomAD 0.009%). This variant has not been reported in the literature in individuals affected with DCLRE1C-related conditions. ClinVar contains an entry for this variant (Variation ID: 878126). Algorithms developed to predict the effect of missense changes on protein structure and function are either unavailable or do not agree on the potential impact of this missense change (SIFT: "Tolerated"; PolyPhen-2: "Possibly Damaging"; Align-GVGD: "Class C0"). In summary, the available evidence is currently insufficient to determine the role of this variant in disease. Therefore, it has been classified as a Variant of Uncertain Significance.

Illumina Laboratory Services, Illumina
Classification: Uncertain significance for Histiocytic medullary reticulosis. Last evaluated: 2018-01-12. Review status: criteria provided, single submitter. Criteria: ICSL Variant Classification Criteria 13 December 2019. Collection method: clinical testing. Allele origin: germline.

Natera, Inc.
Classification: Uncertain significance for Athabascan severe combined immunodeficiency. Last evaluated: 2020-06-05. Review status: no assertion criteria provided. Collection method: clinical testing. Allele origin: germline. Not counted in ClinVar's aggregate classification.

NM_001033855.3(DCLRE1C):c.1381G>A (p.Glu461Lys)

Gene: DCLRE1C (DNA cross-link repair 1C; minus strand). Cytogenetic location: 10p13.
Variant type: single nucleotide variant.
Coding change: c.1381G>A on transcript NM_001033855.3 (MANE Select); coding-DNA position 1381, G replaced by A.
Protein change: p.Glu461Lys; replaces glutamic acid 461 with lysine.
Molecular consequence: missense variant. On other transcripts: non-coding transcript variant (4).
Genome position (GRCh38, 1-based): chr10:14,909,106, C>T on the plus strand (G>A on the coding strand, the complement: DCLRE1C is on the minus strand). VCF-style: chr10-14909106-C-T. GRCh37 (hg19) VCF-style: chr10-14951105-C-T.
Other names: c.1021G>A, p.Glu341Lys (NM_001033857.3, NM_001033858.3, NM_001289077.2 and 2 more transcripts); c.1036G>A, p.Glu346Lys (NM_001289076.2, NM_001289078.2, NM_001350966.2 and 1 more transcripts); c.1381G>A, p.Glu461Lys (NM_001350965.2); short protein forms E346K, E461K, E341K.
Identifiers: ClinVar variation 878126 (VCV000878126.10), dbSNP rs746552030, ClinGen allele CA5416489.